The following is an entry in ClinVar:

NM_020964.3(EPG5):c.136C>T (p.Gln46Ter)

Gene: EPG5 (ectopic P-granules 5 autophagy tethering factor; minus strand). Cytogenetic location: 18q21.1.
Variant type: single nucleotide variant.
Coding change: c.136C>T on transcript NM_020964.3 (MANE Select); coding-DNA position 136, C replaced by T.
Protein change: p.Gln46Ter; replaces glutamine 46 with a stop codon.
Molecular consequence: nonsense.
Genome position (GRCh38, 1-based): chr18:45,955,266, G>A on the plus strand (C>T on the coding strand, the complement: EPG5 is on the minus strand). VCF-style: chr18-45955266-G-A. GRCh37 (hg19) VCF-style: chr18-43535232-G-A.
Other names: c.136C>T, p.Gln46Ter (LRG_1234t1); short protein forms Q46*.
Identifiers: ClinVar variation 626234 (VCV000626234.5), dbSNP rs866435487, ClinGen allele CA299792744.

ClinVar aggregate classification (germline): Pathogenic/Likely pathogenic. Review status: criteria provided, multiple submitters, no conflicts (2 of 4 stars). 2 submissions from 2 submitters: Pathogenic (1); Likely pathogenic (1). Last evaluated 2023-09-15.

Conditions:
Vici syndrome (VICIS). Identifiers: Orphanet 1493, MedGen C1855772, MONDO:0009452, OMIM 242840.

Allele frequency attached by ClinVar (database versions not stated): gnomAD exomes below 0.00001; gnomAD 0.00001; TOPMed 0.00001.
gnomAD v4.1: 4 of 1,613,928 alleles (0.00025%); highest among the groups gnomAD compares: African/African-American, 0.0013%; no homozygotes.

Submissions (2):

Labcorp Genetics (formerly Invitae), Labcorp
Classification: Pathogenic for Vici syndrome. Last evaluated: 2023-09-15. Review status: criteria provided, single submitter. Criteria: Invitae Variant Classification Sherloc (09022015). Collection method: clinical testing. Allele origin: germline.
Comment: This premature translational stop signal has been observed in individual(s) with Vici syndrome (PMID: 26917586). For these reasons, this variant has been classified as Pathogenic. ClinVar contains an entry for this variant (Variation ID: 626234). This variant is present in population databases (no rsID available, gnomAD 0.01%). This sequence change creates a premature translational stop signal (p.Gln46*) in the EPG5 gene. It is expected to result in an absent or disrupted protein product. Loss-of-function variants in EPG5 are known to be pathogenic (PMID: 23222957, 23674064).

SIB Swiss Institute of Bioinformatics
Classification: Likely pathogenic for Vici syndrome. Last evaluated: 2019-01-17. Review status: criteria provided, single submitter. Criteria: ACMG Guidelines, 2015. Collection method: curation. Allele origin: unknown.
Comment: This variant is interpreted as a Likely pathogenic for Vici syndrome, autosomal recessive. The following ACMG Tag(s) were applied: PM2 => Absent from controls (or at extremely low frequency if recessive) in Exome Sequencing Project, 1000 Genomes Project, or Exome Aggregation Consortium. PVS1 => Predicted nullvariant in a gene where LOF is a known mechanism of disease.

ClinGen:CA299792744

Literature cited by the submitters: PubMed 26917586 (cited by Labcorp Genetics (formerly Invitae), Labcorp and SIB Swiss Institute of Bioinformatics); PubMed 23222957 (cited by Labcorp Genetics (formerly Invitae), Labcorp); PubMed 23674064 (cited by Labcorp Genetics (formerly Invitae), Labcorp).